The following is an entry in ClinVar:

NM_001848.3(COL6A1):c.3012C>G (p.Phe1004Leu)

Gene: COL6A1 (collagen type VI alpha 1 chain; plus strand). Cytogenetic location: 21q22.3.
Variant type: single nucleotide variant.
Coding change: c.3012C>G on transcript NM_001848.3 (MANE Select); coding-DNA position 3012, C replaced by G.
Protein change: p.Phe1004Leu; replaces phenylalanine 1004 with leucine.
Molecular consequence: missense variant.
Genome position (GRCh38, 1-based): chr21:46,003,938, C>G. VCF-style: chr21-46003938-C-G. GRCh37 (hg19) VCF-style: chr21-47423852-C-G.
Other names: short protein forms F1004L.
Identifiers: ClinVar variation 1698590 (VCV001698590.10), dbSNP rs1171160953, ClinGen allele CA410541858.
Genomic context (GRCh38, chr21:46,003,938, plus strand): 5'-CGTCCTGGTCACCGGCAAGACGGCCGAGTACGACGTGGCCTACGGCGAGAGCCACCTGTT[C>G]CGTGTCCCCAGCTACCAGGCCCTGCTCCGCGGTGTCTTCCACCAGACAGTCTCCAGGAAG-3'
Protein context (NP_001839.2, residues 994-1014): YDVAYGESHL[Phe1004Leu]RVPSYQALLR

ClinVar aggregate classification (germline): Uncertain significance. Review status: criteria provided, multiple submitters, no conflicts (2 of 4 stars). 4 submissions from 4 submitters: Uncertain significance (4). Last evaluated 2025-01-05.

Conditions:
Bethlem myopathy 1A. Also called: Bethlem Muscular Dystrophy; MYOPATHY, BENIGN CONGENITAL, WITH CONTRACTURES; Bethlem myopathy 1. Identifiers: Orphanet 610, MedGen CN029274, MONDO:0024530, OMIM 158810.
COL6A1-related disorder. Also called: COL6A1-related condition.

Allele frequency attached by ClinVar (database versions not stated): gnomAD 0.00001; TOPMed 0.00001.
gnomAD v4.1: 2 of 1,611,636 alleles (0.00012%); highest among the groups gnomAD compares: Admixed American, 0.0017%; no homozygotes.

Submissions (4):

PreventionGenetics, part of Exact Sciences
Classification: Uncertain significance for COL6A1-related condition. Last evaluated: 2025-01-05. Review status: criteria provided, single submitter. Criteria: ACMG Guidelines, 2015. Collection method: clinical testing. Allele origin: germline.
Comment: The COL6A1 c.3012C>G variant is predicted to result in the amino acid substitution p.Phe1004Leu. To our knowledge, this variant has not been reported in the literature or in a large population database (gnomAD), indicating this variant is rare. At this time, the clinical significance of this variant is uncertain due to the absence of conclusive functional and genetic evidence.

Labcorp Genetics (formerly Invitae), Labcorp
Classification: Uncertain significance for Bethlem myopathy 1A. Last evaluated: 2022-09-30. Review status: criteria provided, single submitter. Criteria: Invitae Variant Classification Sherloc (09022015). Collection method: clinical testing. Allele origin: germline.
Comment: This sequence change replaces phenylalanine, which is neutral and non-polar, with leucine, which is neutral and non-polar, at codon 1004 of the COL6A1 protein (p.Phe1004Leu). In summary, the available evidence is currently insufficient to determine the role of this variant in disease. Therefore, it has been classified as a Variant of Uncertain Significance. Advanced modeling of protein sequence and biophysical properties (such as structural, functional, and spatial information, amino acid conservation, physicochemical variation, residue mobility, and thermodynamic stability) performed at Invitae indicates that this missense variant is not expected to disrupt COL6A1 protein function. This variant has not been reported in the literature in individuals affected with COL6A1-related conditions. This variant is not present in population databases (gnomAD no frequency).

Women's Health and Genetics/Laboratory Corporation of America, LabCorp
Classification: Uncertain significance. Last evaluated: 2022-06-20. Review status: criteria provided, single submitter. Criteria: LabCorp Variant Classification Summary - May 2015. Collection method: clinical testing. Allele origin: germline.
Comment: Variant summary: COL6A1 c.3012C>G (p.Phe1004Leu) results in a non-conservative amino acid change located in the von Willebrand factor, type A domain (IPR002035) of the encoded protein sequence. Three of five in-silico tools predict a damaging effect of the variant on protein function. The variant was absent in 248044 control chromosomes. The available data on variant occurrences in the general population are insufficient to allow any conclusion about variant significance. To our knowledge, no occurrence of c.3012C>G in individuals affected with Collagen Type VI-Related Disorders and no experimental evidence demonstrating its impact on protein function have been reported. No clinical diagnostic laboratories have submitted clinical-significance assessments for this variant to ClinVar after 2014. Based on the evidence outlined above, the variant was classified as uncertain significance.

Revvity Omics, Revvity
Classification: Uncertain significance. Last evaluated: 2021-09-17. Review status: criteria provided, single submitter. Criteria: ACMG Guidelines, 2015. Collection method: clinical testing. Allele origin: germline.